The following is an entry in ClinVar:

ClinVar aggregate classification (germline): Uncertain significance (1 of 4 stars; one submission).

Allele frequency attached by ClinVar (database versions not stated): gnomAD exomes below 0.00001; ExAC 0.00001.
gnomAD v4.1: 1 of 1,614,200 alleles (0.000062%); highest among the groups gnomAD compares: Non-Finnish European, 0.000085%; no homozygotes.

Submission:

Labcorp Genetics (formerly Invitae), Labcorp
Classification: Uncertain significance. Last evaluated: 2022-11-10. Review status: criteria provided, single submitter. Criteria: Invitae Variant Classification Sherloc (09022015). Collection method: clinical testing. Allele origin: germline.
Comment: In summary, the available evidence is currently insufficient to determine the role of this variant in disease. Therefore, it has been classified as a Variant of Uncertain Significance. Algorithms developed to predict the effect of missense changes on protein structure and function are either unavailable or do not agree on the potential impact of this missense change (SIFT: "Deleterious"; PolyPhen-2: "Benign"; Align-GVGD: "Class C0"). This variant has not been reported in the literature in individuals affected with DSCAML1-related conditions. This variant is present in population databases (rs758308762, gnomAD 0.0009%). This sequence change replaces alanine, which is neutral and non-polar, with valine, which is neutral and non-polar, at codon 397 of the DSCAML1 protein (p.Ala397Val).

NM_020693.4(DSCAML1):c.1010C>T (p.Ala337Val)

Gene: DSCAML1 (DS cell adhesion molecule like 1; minus strand). Cytogenetic location: 11q23.3.
Variant type: single nucleotide variant.
Coding change: c.1010C>T on transcript NM_020693.4 (MANE Select); coding-DNA position 1010, C replaced by T.
Protein change: p.Ala337Val; replaces alanine 337 with valine.
Molecular consequence: missense variant.
Genome position (GRCh38, 1-based): chr11:117,521,333, G>A on the plus strand (C>T on the coding strand, the complement: DSCAML1 is on the minus strand). VCF-style: chr11-117521333-G-A. GRCh37 (hg19) VCF-style: chr11-117392048-G-A.
Other names: c.1010C>T, p.Ala337Val (NM_001367904.1); c.602C>T, p.Ala201Val (NM_001367905.1); short protein forms A201V, A337V.
Identifiers: ClinVar variation 2997450 (VCV002997450.3), dbSNP rs758308762, ClinGen allele CA6297388.